The following is an entry in ClinVar:

NM_000287.4(PEX6):c.2214A>C (p.Ser738=)

Gene: PEX6 (peroxisomal biogenesis factor 6; minus strand). Cytogenetic location: 6p21.1.
Variant type: single nucleotide variant.
Coding change: c.2214A>C on transcript NM_000287.4 (MANE Select); coding-DNA position 2214, A replaced by C.
Protein change: p.Ser738=; no amino-acid change (serine 738 retained).
Molecular consequence: synonymous variant.
Genome position (GRCh38, 1-based): chr6:42,966,328, T>G on the plus strand (A>C on the coding strand, the complement: PEX6 is on the minus strand). VCF-style: chr6-42966328-T-G. GRCh37 (hg19) VCF-style: chr6-42934066-T-G.
Other names: c.1950A>C, p.Ser650= (NM_001316313.2).
Identifiers: ClinVar variation 4997136 (VCV004997136.1).
Genomic context (GRCh38, chr6:42,966,328, plus strand): 5'-GGCTACTGCCTTGGCCAGAAGGGTCTTGCCGGTGCCAGGGGGCCCATGGAGCAGAAGGCC[T>G]GAGCGTCTCAGGCCCAGGCTCAGTAGCTCAGGGTGCTCCAGGGGGAGCTGAATGGTCTCC-3'
Protein context (NP_000278.3, residues 728-748): PELLSLGLRR[Ser738=]GLLLHGPPGT

ClinVar aggregate classification (germline): Likely benign (1 of 4 stars; one submission).

Conditions:
PEX6-related disorder. Also called: PEX6-related disorders; PEX6-related condition.

Submission:

PreventionGenetics, part of Exact Sciences
Classification: Likely benign for PEX6-related condition. Last evaluated: 2024-11-04. Review status: criteria provided, single submitter. Criteria: ACMG Guidelines, 2015. Collection method: clinical testing. Allele origin: germline.
Comment: This variant is classified as likely benign based on ACMG/AMP sequence variant interpretation guidelines (Richards et al. 2015 PMID: 25741868, with internal and published modifications).